The following is an entry in ClinVar:

ClinVar aggregate classification (germline): Uncertain significance. Review status: criteria provided, multiple submitters, no conflicts (2 of 4 stars). 6 submissions from 6 submitters: Uncertain significance (6). Last evaluated 2026-04-22.

Conditions:
TTN-related disorder. Also called: TTN-related condition; TTN-related disease; TTN-related disorders.
Cardiovascular phenotype. Identifiers: MedGen CN230736.
Dilated cardiomyopathy 1G (CMD1G). Identifiers: Orphanet 154, MedGen C1858763, MONDO:0011400, OMIM 604145.
Autosomal recessive limb-girdle muscular dystrophy type 2J (LGMDR10). Also called: Limb-girdle muscular dystrophy, type 2J; MUSCULAR DYSTROPHY, LIMB-GIRDLE, AUTOSOMAL RECESSIVE 10. Identifiers: Orphanet 140922, MedGen C1837342, MONDO:0012127, OMIM 608807.
Early-onset myopathy with fatal cardiomyopathy (CMYO5). Also called: Salih Myopathy; CONGENITAL MYOPATHY 5 WITH CARDIOMYOPATHY. Identifiers: Orphanet 289377, MedGen C2673677, MONDO:0012714, OMIM 611705. Disease mechanism: loss of function.
Tibial muscular dystrophy (TMD). Also called: Tibial muscular dystrophy, tardive; Udd Distal Myopathy – Tibial Muscular Dystrophy; UDD MYOPATHY. Identifiers: Orphanet 609, MedGen C1838244, MONDO:0010870, OMIM 600334.
Myopathy, myofibrillar, 9, with early respiratory failure (MFM9). Also called: Myopathy, distal, with early respiratory failure, autosomal dominant; MYOPATHY, PROXIMAL, WITH EARLY RESPIRATORY MUSCLE INVOLVEMENT; Hereditary myopathy with early respiratory failure; EDSTROM MYOPATHY. Identifiers: Orphanet 178464, Orphanet 34521, MedGen C1863599, MONDO:0011362, OMIM 603689.
Hypertrophic cardiomyopathy 9. Also called: Familial hypertrophic cardiomyopathy 9. Identifiers: MedGen C1861065, MONDO:0013412, OMIM 613765.

Allele frequency attached by ClinVar (database versions not stated): gnomAD 0.00004 and 0.00005; gnomAD exomes 0.00004 and 0.00005; TOPMed 0.00004; ExAC 0.00005; ESP Exome Variant Server 0.00017; 1000 Genomes Project 30x 0.00031; 1000 Genomes Project 0.00040.
gnomAD v4.1: 61 of 1,612,844 alleles (0.0038%); highest among the groups gnomAD compares: East Asian, 0.013%; no homozygotes.

Submissions (6):

PreventionGenetics, part of Exact Sciences
Classification: Uncertain significance for TTN-related condition. Last evaluated: 2026-04-22. Review status: criteria provided, single submitter. Criteria: ACMG Guidelines, 2015. Collection method: clinical testing. Allele origin: germline.
Comment: The TTN c.64681G>A variant is predicted to result in the amino acid substitution p.Gly21561Ser. This variant has been reported as a variant of uncertain significance in the homozygous state in an individual with limb-girdle muscular dystrophy (Table 6, Khalilian et al. 2025. PubMed ID: 40361203). This variant is reported in 0.021% of alleles in individuals of East Asian descent in gnomAD. At this time, the clinical significance of this variant is uncertain due to the absence of conclusive functional and genetic evidence.

Women's Health and Genetics/Laboratory Corporation of America, LabCorp
Classification: Uncertain significance. Last evaluated: 2024-03-13. Review status: criteria provided, single submitter. Criteria: LabCorp Variant Classification Summary - May 2015. Collection method: clinical testing. Allele origin: germline.
Comment: Variant summary: TTN c.56977G>A (p.Gly18993Ser) results in a non-conservative amino acid change in the encoded protein sequence. Two of three in-silico tools predict a damaging effect of the variant on protein function. The variant allele was found at a frequency of 4.9e-05 in 246724 control chromosomes. To our knowledge, no occurrence of c.56977G>A in individuals affected with Limb-Girdle Muscular Dystrophy, Type 2J and no experimental evidence demonstrating its impact on protein function have been reported. ClinVar contains an entry for this variant (Variation ID: 202788). Based on the evidence outlined above, the variant was classified as uncertain significance.

Department of Pathology and Laboratory Medicine, Sinai Health System
Classification: Uncertain significance for Tibial muscular dystrophy; Myopathy, myofibrillar, 9, with early respiratory failure; Dilated cardiomyopathy 1G; Autosomal recessive limb-girdle muscular dystrophy type 2J; Early-onset myopathy with fatal cardiomyopathy; Hypertrophic cardiomyopathy 9. Last evaluated: 2022-01-15. Review status: criteria provided, single submitter. Criteria: ACMG Guidelines, 2015. Collection method: research. Allele origin: germline.

Labcorp Genetics (formerly Invitae), Labcorp
Classification: Uncertain significance for Dilated cardiomyopathy 1G; Autosomal recessive limb-girdle muscular dystrophy type 2J. Last evaluated: 2017-05-30. Review status: criteria provided, single submitter. Criteria: Invitae Variant Classification Sherloc (09022015). Collection method: clinical testing. Allele origin: germline.

Ambry Genetics
Classification: Uncertain significance for Cardiovascular phenotype. Last evaluated: 2013-08-02. Review status: criteria provided, single submitter. Criteria: Ambry Autosomal Dominant and X-Linked criteria (10/2015). Collection method: clinical testing. Allele origin: germline. Observed: 1 variant allele.
Comment: The p.G18993S variant (also known as c.56977G>A) is located in coding exon 258 of the TTNgene. This alteration results from a G to A substitution at nucleotide position 56977. The glycine at codon 18993 is replaced by serine, an amino acid with similar properties.Ã¢â‚¬â€¹Ã¢â‚¬â€¹ This variant was previously reported in dbSNP asrs200355808. Based on data from the NHLBI Exome Sequencing Project (ESP), the A-allele has an overall frequency of approximately 0.02% (2/11958), having been observed in 0.02% (2/8190) of European American alleles, and not observed in African American alleles studied. This variant was not reported in the 1000 Genomes Project. Based on protein sequence alignment, this amino acid position is highly conserved in available vertebrate species.In addition, this alteration is predicted to be probably damaging by PolyPhen analysis. Since supporting evidence is limited at this time, the clinical significance of this variant remains unclearÃ¢â‚¬â€¹

GeneDx
Classification: Uncertain significance. Review status: criteria provided, single submitter. Criteria: GeneDx Variant Classification (06012015). Collection method: clinical testing. Allele origin: germline. Affected: yes.
Comment: Missense variants in the TTN gene are considered 'unclassified' if they are not previously reported in the literature and do not have >1% frequency in the population to be considered a polymorphism. Research indicates that truncating mutations in the TTN gene are expected to account for approximately 25% of familial and 18% of sporadic idiopathic DCM; however, truncating variants in the TTN gene have been reported in approximately 3% of reported control alleles. There has been little investigation into non-truncating variants. (Herman D et al. Truncations of titin causing dilated cardiomyopathy. N Eng J Med 366:619-628, 2012) The variant is found in TTN panel(s).

NM_001267550.2(TTN):c.64681G>A (p.Gly21561Ser)

Genes: TTN (titin; minus strand), TTN-AS1 (TTN antisense RNA 1; plus strand). Cytogenetic location: 2q31.2.
Variant type: single nucleotide variant.
Coding change: c.64681G>A on transcript NM_001267550.2 (MANE Select); coding-DNA position 64681, G replaced by A.
Protein change: p.Gly21561Ser; replaces glycine 21561 with serine.
Molecular consequence: missense variant. On other transcripts: non-coding transcript variant (1).
Genome position (GRCh38, 1-based): chr2:178,584,960, C>T on the plus strand (G>A on the coding strand, the complement: TTN is on the minus strand). VCF-style: chr2-178584960-C-T. GRCh37 (hg19) VCF-style: chr2-179449687-C-T.
Other names: p.G19920S:GGC>AGC; c.59758G>A, p.Gly19920Ser (NM_001256850.1); c.37486G>A, p.Gly12496Ser (NM_003319.4); c.56977G>A, p.Gly18993Ser (NM_133378.4); c.37861G>A, p.Gly12621Ser (NM_133432.3); c.38062G>A, p.Gly12688Ser (NM_133437.4); short protein forms G19920S, G21561S, G18993S, G12496S, G12621S, G12688S.
Identifiers: ClinVar variation 202788 (VCV000202788.9), dbSNP rs200355808, ClinGen allele CA310292.